The following is an entry in ClinVar:

NM_001164508.2(NEB):c.8683G>A (p.Asp2895Asn)

Gene: NEB (nebulin; minus strand). Cytogenetic location: 2q23.3.
Variant type: single nucleotide variant.
Coding change: c.8683G>A on transcript NM_001164508.2 (MANE Select); coding-DNA position 8683, G replaced by A.
Protein change: p.Asp2895Asn; replaces aspartic acid 2895 with asparagine.
Molecular consequence: missense variant.
Genome position (GRCh38, 1-based): chr2:151,640,357, C>T on the plus strand (G>A on the coding strand, the complement: NEB is on the minus strand). VCF-style: chr2-151640357-C-T. GRCh37 (hg19) VCF-style: chr2-152496871-C-T.
Other names: c.8683G>A, p.Asp2895Asn (NM_001164507.2, NM_001271208.2, NM_004543.5); short protein forms D2895N.
Identifiers: ClinVar variation 964715 (VCV000964715.14), dbSNP rs779416595, ClinGen allele CA1909533.

ClinVar aggregate classification (germline): Uncertain significance. Review status: criteria provided, multiple submitters, no conflicts (2 of 4 stars). 5 submissions from 5 submitters: Uncertain significance (4). 1 of the submissions does not count toward it. Last evaluated 2024-03-25.

Conditions:
Nemaline myopathy 2 (NEM2). Also called: Nemaline myopathy 2, autosomal recessive. Identifiers: MedGen C1850569, MONDO:0009725, OMIM 256030.

Allele frequency attached by ClinVar (database versions not stated): ExAC 0.00002; gnomAD exomes 0.00002 and 0.00004; TOPMed 0.00002; gnomAD 0.00004 and 0.00005.
gnomAD v4.1: 73 of 1,612,866 alleles (0.0045%); highest among the groups gnomAD compares: Non-Finnish European, 0.0054%; no homozygotes.

Submissions (5):

Genomic Medicine Center of Excellence, King Faisal Specialist Hospital and Research Centre
Classification: Uncertain significance for Nemaline myopathy 2. Last evaluated: 2024-03-25. Review status: criteria provided, single submitter. Criteria: ACMG Guidelines, 2015. Collection method: research. Allele origin: germline.

Revvity Omics, Revvity
Classification: Uncertain significance. Last evaluated: 2023-04-12. Review status: criteria provided, single submitter. Criteria: ACMG Guidelines, 2015. Collection method: clinical testing. Allele origin: germline.

Labcorp Genetics (formerly Invitae), Labcorp
Classification: Uncertain significance for Nemaline myopathy 2. Last evaluated: 2022-08-13. Review status: criteria provided, single submitter. Criteria: Invitae Variant Classification Sherloc (09022015). Collection method: clinical testing. Allele origin: germline.
Comment: This sequence change replaces aspartic acid, which is acidic and polar, with asparagine, which is neutral and polar, at codon 2895 of the NEB protein (p.Asp2895Asn). This variant is present in population databases (rs779416595, gnomAD 0.006%). This variant has not been reported in the literature in individuals affected with NEB-related conditions. ClinVar contains an entry for this variant (Variation ID: 964715). Algorithms developed to predict the effect of missense changes on protein structure and function are either unavailable or do not agree on the potential impact of this missense change (SIFT: "Deleterious"; PolyPhen-2: "Not Available"; Align-GVGD: "Class C0"). In summary, the available evidence is currently insufficient to determine the role of this variant in disease. Therefore, it has been classified as a Variant of Uncertain Significance.

Baylor Genetics
Classification: Uncertain significance for Nemaline myopathy 2. Last evaluated: 2019-10-29. Review status: criteria provided, single submitter. Criteria: ACMG Guidelines, 2015. Collection method: clinical testing. Allele origin: unknown. Affected: yes.
Comment: This variant was determined to be of uncertain significance according to ACMG Guidelines, 2015 [PMID:25741868].

Natera, Inc.
Classification: Uncertain significance for Nemaline myopathy type 2. Last evaluated: 2020-10-13. Review status: no assertion criteria provided. Collection method: clinical testing. Allele origin: germline. Not counted in ClinVar's aggregate classification.